The following is an entry in ClinVar:

ClinVar aggregate classification (germline): Uncertain significance (1 of 4 stars; one submission).

Conditions:
Early-infantile DEE. Also called: Early infantile epileptic encephalopathy; Ohtahara syndrome; Early infantile epileptic encephalopathy with suppression bursts. Identifiers: Orphanet 1934, MedGen C0393706, MONDO:0800491.

gnomAD v4.1: 2 of 1,591,780 alleles (0.00013%); highest among the groups gnomAD compares: African/African-American, 0.0027%; no homozygotes.

Submission:

Labcorp Genetics (formerly Invitae), Labcorp
Classification: Uncertain significance for Early-infantile DEE. Last evaluated: 2022-10-24. Review status: criteria provided, single submitter. Criteria: Invitae Variant Classification Sherloc (09022015). Collection method: clinical testing. Allele origin: germline.
Comment: In summary, the available evidence is currently insufficient to determine the role of this variant in disease. Therefore, it has been classified as a Variant of Uncertain Significance. Algorithms developed to predict the effect of sequence changes on RNA splicing suggest that this variant may create or strengthen a splice site. ClinVar contains an entry for this variant (Variation ID: 1417764). This variant has not been reported in the literature in individuals affected with CACNA2D2-related conditions. This variant is not present in population databases (gnomAD no frequency). This sequence change falls in intron 33 of the CACNA2D2 gene. It does not directly change the encoded amino acid sequence of the CACNA2D2 protein.

NM_006030.4(CACNA2D2):c.2916-10T>A

Genes: CACNA2D2 (calcium voltage-gated channel auxiliary subunit alpha2delta 2; minus strand), LOC101928965 (uncharacterized LOC101928965; plus strand), LOC127898564 (CYB561D2-LOC101928965; plus strand). Cytogenetic location: 3p21.31.
Variant type: single nucleotide variant.
Coding change: c.2916-10T>A on transcript NM_006030.4 (MANE Select); 10 bases into the intron before coding-DNA position 2916, T replaced by A.
Molecular consequence: intron variant. On other transcripts: non-coding transcript variant (2).
Genome position (GRCh38, 1-based): chr3:50,365,698, A>T on the plus strand (T>A on the coding strand, the complement: CACNA2D2 is on the minus strand). VCF-style: chr3-50365698-A-T. GRCh37 (hg19) VCF-style: chr3-50403129-A-T.
Other names: c.2709-10T>A (NM_001291101.1); c.2916-10T>A (NM_001005505.3); c.2937-10T>A (NM_001174051.3).
Identifiers: ClinVar variation 1417764 (VCV001417764.9), dbSNP rs2109400627, ClinGen allele CA433868287.